The following is an entry in ClinVar:

ClinVar aggregate classification (germline): Pathogenic (0 of 4 stars; one submission).
ClinVar aggregate classification (somatic clinical impact): Tier I - Strong. Review status: criteria provided, single submitter (1 of 4 stars). 4 submissions from 1 submitter. Last evaluated 2025-06-06.
ClinVar aggregate classification (oncogenicity): Oncogenic (1 of 4 stars; one submission).

Conditions:
Pilomatrixoma (PTR). Also called: Pilomatricoma, somatic; PILOMATRICOMA; EPITHELIOMA CALCIFICANS OF MALHERBE. Identifiers: Orphanet 91414, MedGen C0206711, MeSH D018296, MONDO:0007564, OMIM 132600, HP:0030434.
Medulloblastoma WNT activated. Identifiers: MedGen C4331965, MONDO:0850196.
Embryonal tumor with multilayered rosettes. Identifiers: Orphanet 656417, MedGen C5575350, MONDO:0958119.
Adamantinous craniopharyngioma. Identifiers: MedGen C0431129, MONDO:0002787.
Solid pseudopapillary neoplasm of the pancreas. Identifiers: MedGen C1336030, MONDO:0044786.
Neoplasm. Also called: Neoplasms; Neoplasm (disease); tumor. Identifiers: MedGen C0027651, MeSH D009369, MONDO:0005070, HP:0002664.

Submissions (6):

Center for Genomic Medicine, Rigshospitalet, Copenhagen University Hospital
Classification: Oncogenic for Neoplasm. Last evaluated: 2025-12-29. Review status: criteria provided, single submitter. Criteria: ClinGen/CGC/VICC Guidelines for Oncogenicity, 2022. Collection method: clinical testing. Allele origin: somatic. Affected: yes.

Institute for Genomic Medicine (IGM) Clinical Laboratory, Nationwide Children's Hospital
Classification: Tier I - Strong for Medulloblastoma WNT activated. Assertion type: diagnostic. Clinical significance: supports diagnosis. Last evaluated: 2025-06-06. Review status: criteria provided, single submitter. Criteria: AMP/ASCO/CAP Guidelines, 2017. Collection method: clinical testing. Allele origin: somatic. Affected: yes.
Comment: Variant has Tier I (strong) clinical significance as a diagnostic inclusion criterion in medulloblastoma WNT activated, based on the following evidence: 1) Documented in one or more cancer databases (e.g., St. Jude Pecan, COSMIC, CIViC, OncoKB). 2) Appears in one or more well-established professional guidelines (e.g., World Health Organization [WHO]; National Comprehensive Cancer Network [NCCN]) as providing diagnostic, prognostic, or therapeutic information. 3) Information in the literature supports potential biologic effect of variant (PMID: 9065403). 4) Diagnostic for a specific tumor type/classification according to professional guidelines (Evidence Level A).

Institute for Genomic Medicine (IGM) Clinical Laboratory, Nationwide Children's Hospital
Classification: Tier I - Strong for Adamantinous craniopharyngioma. Assertion type: diagnostic. Clinical significance: supports diagnosis. Last evaluated: 2024-05-26. Review status: criteria provided, single submitter. Criteria: AMP/ASCO/CAP Guidelines, 2017. Collection method: clinical testing. Allele origin: somatic. Affected: yes.
Comment: Variant has Tier I (strong) clinical significance as a diagnostic inclusion criterion in adamantinous craniopharyngioma, based on the following evidence: 1) Diagnostic for a specific tumor type/classification according to professional guidelines (Evidence Level A; PMIDs: 12466115, 24413733, 28069929).

Institute for Genomic Medicine (IGM) Clinical Laboratory, Nationwide Children's Hospital
Classification: Tier I - Strong for Solid pseudopapillary neoplasm of the pancreas. Assertion type: diagnostic. Clinical significance: supports diagnosis. Last evaluated: 2024-04-24. Review status: criteria provided, single submitter. Criteria: AMP/ASCO/CAP Guidelines, 2017. Collection method: clinical testing. Allele origin: somatic. Affected: yes.
Comment: Variant has Tier I (strong) clinical significance as a diagnostic inclusion criterion in solid pseudopapillary neoplasm of the pancreas, based on the following evidence: 1) Documented in one or more cancer databases (e.g., St. Jude Pecan, COSMIC, CIViC, OncoKB). 2) Appears in one or more well-established professional guidelines (e.g., World Health Organization [WHO]; National Comprehensive Cancer Network [NCCN]) as providing diagnostic, prognostic, or therapeutic information. 3) Information in the literature supports potential biologic effect of variant (PMIDs: 9537226, 22815287). 4) Diagnostic for a specific tumor type/classification according to professional guidelines (Evidence Level A; PMIDs: 11943721, 16967453, 30972907, 22158988).

Institute for Genomic Medicine (IGM) Clinical Laboratory, Nationwide Children's Hospital
Classification: Tier I - Strong for Embryonal tumor with multilayered rosettes. Assertion type: diagnostic. Clinical significance: supports diagnosis. Last evaluated: 2023-03-28. Review status: criteria provided, single submitter. Criteria: AMP/ASCO/CAP Guidelines, 2017. Collection method: clinical testing. Allele origin: somatic. Affected: yes.
Comment: Variant has Tier I (strong) clinical significance as a diagnostic inclusion criterion in embryonal tumor with multilayered rosettes, based on the following evidence: 1) Documented in one or more cancer databases (e.g., St. Jude Pecan, COSMIC, CIViC, OncoKB). 2) Appears in one or more well-established professional guidelines (e.g., World Health Organization [WHO]; National Comprehensive Cancer Network [NCCN]) as providing diagnostic, prognostic, or therapeutic information. 3) Information in the literature supports potential biologic effect of variant (PMIDs: 9537226, 22815287). 4) Diagnostic for a specific tumor type/classification based on well-powered studies with expert-level consensus (Evidence Level B; PMIDs: 31802000, 32601913).

OMIM
Classification: Pathogenic for PILOMATRICOMA, SOMATIC. Last evaluated: 1999-04-01. Review status: no assertion criteria provided. Collection method: literature only. Allele origin: somatic.

Literature cited by the submitters: PubMed 10347231 (cited by Center for Genomic Medicine, Rigshospitalet, Copenhagen University Hospital); PubMed 11196159 (cited by Center for Genomic Medicine, Rigshospitalet, Copenhagen University Hospital); PubMed 11943721 (cited by Center for Genomic Medicine, Rigshospitalet, Copenhagen University Hospital and Institute for Genomic Medicine (IGM) Clinical Laboratory, Nationwide Children's Hospital); PubMed 31857074 (cited by Center for Genomic Medicine, Rigshospitalet, Copenhagen University Hospital); PubMed 29106415 (cited by Center for Genomic Medicine, Rigshospitalet, Copenhagen University Hospital); PubMed 9065403 (cited by Institute for Genomic Medicine (IGM) Clinical Laboratory, Nationwide Children's Hospital); PubMed 12466115 (cited by Institute for Genomic Medicine (IGM) Clinical Laboratory, Nationwide Children's Hospital); PubMed 24413733 (cited by Institute for Genomic Medicine (IGM) Clinical Laboratory, Nationwide Children's Hospital); PubMed 28069929 (cited by Institute for Genomic Medicine (IGM) Clinical Laboratory, Nationwide Children's Hospital); PubMed 9537226 (cited by Institute for Genomic Medicine (IGM) Clinical Laboratory, Nationwide Children's Hospital); PubMed 22815287 (cited by Institute for Genomic Medicine (IGM) Clinical Laboratory, Nationwide Children's Hospital); PubMed 16967453 (cited by Institute for Genomic Medicine (IGM) Clinical Laboratory, Nationwide Children's Hospital); PubMed 30972907 (cited by Institute for Genomic Medicine (IGM) Clinical Laboratory, Nationwide Children's Hospital); PubMed 22158988 (cited by Institute for Genomic Medicine (IGM) Clinical Laboratory, Nationwide Children's Hospital); PubMed 31802000 (cited by Institute for Genomic Medicine (IGM) Clinical Laboratory, Nationwide Children's Hospital); PubMed 32601913 (cited by Institute for Genomic Medicine (IGM) Clinical Laboratory, Nationwide Children's Hospital); PubMed 10192393 (cited by OMIM).

NM_001904.4(CTNNB1):c.110C>T (p.Ser37Phe)

Genes: CTNNB1 (catenin beta 1; plus strand), LOC126806658 (BRD4-independent group 4 enhancer GRCh37_chr3:41265899-41267098; plus strand). Cytogenetic location: 3p22.1.
Variant type: single nucleotide variant.
Coding change: c.110C>T on transcript NM_001904.4 (MANE Select); coding-DNA position 110, C replaced by T.
Protein change: p.Ser37Phe; replaces serine 37 with phenylalanine.
Molecular consequence: missense variant.
Genome position (GRCh38, 1-based): chr3:41,224,622, C>T. VCF-style: chr3-41224622-C-T. GRCh37 (hg19) VCF-style: chr3-41266113-C-T.
Other names: c.110C>T, p.Ser37Phe (NM_001098209.2, NM_001098210.2); c.89C>T, p.Ser30Phe (NM_001330729.2); short protein forms S37F, S30F.
Identifiers: ClinVar variation 17586 (VCV000017586.6), dbSNP rs121913403, ClinGen allele CA127279.
Genomic context (GRCh38, chr3:41,224,622, plus strand): 5'-ACAGAAAAGCGGCTGTTAGTCACTGGCAGCAACAGTCTTACCTGGACTCTGGAATCCATT[C>T]TGGTGCCACTACCACAGCTCCTTCTCTGAGTGGTAAAGGCAATCCTGAGGAAGAGGATGT-3'
Protein context (NP_001895.1, residues 27-47): QQSYLDSGIH[Ser37Phe]GATTTAPSLS